The following is an entry in ClinVar:

ClinVar aggregate classification (germline): Pathogenic/Likely pathogenic. Review status: criteria provided, multiple submitters, no conflicts (2 of 4 stars). 5 submissions from 5 submitters: Pathogenic (1); Likely pathogenic (3). 1 of the submissions does not count toward it. Last evaluated 2025-01-14.

Conditions:
RDH12-related disorder. Also called: RDH12-related condition; RDH12-related disorders.
Retinal dystrophy. Also called: Inherited retinal dystrophy. Identifiers: Orphanet 71862, MedGen C0854723, MeSH D058499, MONDO:0019118, HP:0000556.
Leber congenital amaurosis (LCA). Also called: Leber's amaurosis. Identifiers: Orphanet 65, MedGen C0339527, MeSH D057130, MONDO:0018998.
Leber congenital amaurosis 13 (LCA13). Identifiers: MedGen C2675186, MONDO:0012990, OMIM 612712.

Allele frequency attached by ClinVar (database versions not stated): gnomAD exomes below 0.00001 and 0.00001.
gnomAD v4.1: 4 of 1,613,486 alleles (0.00025%); highest among the groups gnomAD compares: African/African-American, 0.0027%; no homozygotes.

Submissions (5):

Natera, Inc.
Classification: Likely pathogenic for Leber congenital amaurosis. Last evaluated: 2025-01-14. Review status: criteria provided, single submitter. Criteria: Natera Variant Classification Schema (03/2026). Collection method: clinical testing. Allele origin: germline.
Comment: The c.910T>C variant in RDH12 is a missense variant predicted to cause substitution of tryptophan to arginine at amino acid 304. This variant is rare in the general population with a frequency below the threshold expected for the associated phenotype(s). This variant has been observed in one or more individuals affected with the associated recessive disease, as either homozygous or compound heterozygous with a second variant (PMID: 36729443). Computational prediction algorithms indicate this variant is likely to affect gene or protein function. Given the available evidence, this variant is classified as Likely Pathogenic.

Fulgent Genetics
Classification: Likely pathogenic for Leber congenital amaurosis 13. Last evaluated: 2024-06-11. Review status: criteria provided, single submitter. Criteria: ACMG Guidelines, 2015. Collection method: clinical testing. Allele origin: germline.

Labcorp Genetics (formerly Invitae), Labcorp
Classification: Pathogenic for Leber congenital amaurosis 13. Last evaluated: 2023-10-03. Review status: criteria provided, single submitter. Criteria: Invitae Variant Classification Sherloc (09022015). Collection method: clinical testing. Allele origin: germline.
Comment: This sequence change replaces tryptophan, which is neutral and slightly polar, with arginine, which is basic and polar, at codon 304 of the RDH12 protein (p.Trp304Arg). This variant is present in population databases (no rsID available, gnomAD 0.007%). This missense change has been observed in individual(s) with autosomal recessive RDH12-related conditions (PMID: 27208204; Invitae). In at least one individual the data is consistent with being in trans (on the opposite chromosome) from a pathogenic variant. ClinVar contains an entry for this variant (Variation ID: 236432). Advanced modeling of protein sequence and biophysical properties (such as structural, functional, and spatial information, amino acid conservation, physicochemical variation, residue mobility, and thermodynamic stability) performed at Invitae indicates that this missense variant is expected to disrupt RDH12 protein function. For these reasons, this variant has been classified as Pathogenic.

Blueprint Genetics
Classification: Likely pathogenic for RDH12-related disorders. Last evaluated: 2022-02-14. Review status: criteria provided, single submitter. Criteria: ACMG Guidelines, 2015. Collection method: clinical testing. Allele origin: de novo. Affected: yes. Observed: 3 variant alleles.

Centre for Genomic Medicine, Manchester, Central Manchester University Hospitals
Classification: Uncertain significance for Retinal dystrophy. Review status: no assertion criteria provided. Collection method: clinical testing. Allele origin: germline. Affected: yes. Not counted in ClinVar's aggregate classification.

Literature cited by the submitters: PubMed 36729443 (cited by Natera, Inc.); PubMed 27208204 (cited by Labcorp Genetics (formerly Invitae), Labcorp).

NM_152443.3(RDH12):c.910T>C (p.Trp304Arg)

Genes: GPHN (gephyrin; plus strand), RDH12 (retinol dehydrogenase 12; plus strand), ZFYVE26 (zinc finger FYVE-type containing 26; minus strand). Cytogenetic location: 14q24.1.
Variant type: single nucleotide variant.
Coding change: c.910T>C on transcript NM_152443.3 (MANE Select); coding-DNA position 910, T replaced by C.
Protein change: p.Trp304Arg; replaces tryptophan 304 with arginine.
Molecular consequence: missense variant.
Genome position (GRCh38, 1-based): chr14:67,733,807, T>C. VCF-style: chr14-67733807-T-C. GRCh37 (hg19) VCF-style: chr14-68200524-T-C.
Other names: short protein forms W304R.
Identifiers: ClinVar variation 236432 (VCV000236432.16), dbSNP rs878853339, ClinGen allele CA10581696.